The following is an entry in ClinVar:

ClinVar aggregate classification (germline): Uncertain significance (1 of 4 stars; one submission).

Conditions:
Congenital myasthenic syndrome 20. Also called: Myasthenic syndrome, congenital, 20, presynaptic. Identifiers: MedGen C4310694, MONDO:0014939, OMIM 617143.
Neuronopathy, distal hereditary motor, type 7A. Also called: HARPER-YOUNG MYOPATHY; HMN VIIA; SPINAL MUSCULAR ATROPHY, DISTAL, WITH VOCAL CORD PARALYSIS; Neuronopathy, distal hereditary motor, type viia; NEURONOPATHY, DISTAL HEREDITARY MOTOR, HARDING TYPE VIIA; NEUROPATHY, DISTAL HEREDITARY MOTOR, HARDING TYPE VIIA. Identifiers: Orphanet 139589, MedGen C1834703, MONDO:0008024, OMIM 158580.

Submission:

Labcorp Genetics (formerly Invitae), Labcorp
Classification: Uncertain significance for Neuronopathy, distal hereditary motor, type 7A; Congenital myasthenic syndrome 20. Last evaluated: 2022-06-03. Review status: criteria provided, single submitter. Criteria: Invitae Variant Classification Sherloc (09022015). Collection method: clinical testing. Allele origin: germline.
Comment: In summary, the available evidence is currently insufficient to determine the role of this variant in disease. Therefore, it has been classified as a Variant of Uncertain Significance. Algorithms developed to predict the effect of missense changes on protein structure and function are either unavailable or do not agree on the potential impact of this missense change (SIFT: "Deleterious"; PolyPhen-2: "Benign"; Align-GVGD: "Class C0"). ClinVar contains an entry for this variant (Variation ID: 1362536). This variant has not been reported in the literature in individuals affected with SLC5A7-related conditions. This variant is not present in population databases (gnomAD no frequency). This sequence change replaces methionine, which is neutral and non-polar, with leucine, which is neutral and non-polar, at codon 358 of the SLC5A7 protein (p.Met358Leu).

NM_021815.5(SLC5A7):c.1072A>T (p.Met358Leu)

Gene: SLC5A7 (solute carrier family 5 member 7; plus strand). Cytogenetic location: 2q12.3.
Variant type: single nucleotide variant.
Coding change: c.1072A>T on transcript NM_021815.5 (MANE Select); coding-DNA position 1072, A replaced by T.
Protein change: p.Met358Leu; replaces methionine 358 with leucine.
Molecular consequence: missense variant.
Genome position (GRCh38, 1-based): chr2:108,008,641, A>T. VCF-style: chr2-108008641-A-T. GRCh37 (hg19) VCF-style: chr2-108625097-A-T.
Other names: c.1072A>T, p.Met358Leu (NM_001305005.3); c.757A>T, p.Met253Leu (NM_001305006.3); c.331A>T, p.Met111Leu (NM_001305007.3); short protein forms M111L, M253L, M358L.
Identifiers: ClinVar variation 1362536 (VCV001362536.8), dbSNP rs762453964, ClinGen allele CA348113765.